The following is an entry in ClinVar:

NM_006947.4(SRP72):c.1355A>G (p.Glu452Gly)

Gene: SRP72 (signal recognition particle 72; plus strand). Cytogenetic location: 4q12.
Variant type: single nucleotide variant.
Coding change: c.1355A>G on transcript NM_006947.4 (MANE Select); coding-DNA position 1355, A replaced by G.
Protein change: p.Glu452Gly; replaces glutamic acid 452 with glycine.
Molecular consequence: missense variant. On other transcripts: non-coding transcript variant (1).
Genome position (GRCh38, 1-based): chr4:56,490,367, A>G. VCF-style: chr4-56490367-A-G. GRCh37 (hg19) VCF-style: chr4-57356533-A-G.
Other names: c.1172A>G, p.Glu391Gly (NM_001267722.2); short protein forms E452G, E391G.
Identifiers: ClinVar variation 3962047 (VCV003962047.1).

ClinVar aggregate classification (germline): Uncertain significance (1 of 4 stars; one submission).

Submission:

Ambry Genetics
Classification: Uncertain significance. Last evaluated: 2025-03-31. Review status: criteria provided, single submitter. Criteria: Ambry Variant Classification Scheme 2023. Collection method: clinical testing. Allele origin: germline.
Comment: The p.E452G variant (also known as c.1355A>G), located in coding exon 14 of the SRP72 gene, results from an A to G substitution at nucleotide position 1355. The glutamic acid at codon 452 is replaced by glycine, an amino acid with similar properties. This amino acid position is conserved. In addition, this alteration is predicted to be deleterious by in silico analysis. Based on the available evidence, the clinical significance of this variant remains unclear.